The following is an entry in ClinVar:

ClinVar aggregate classification (germline): Uncertain significance (1 of 4 stars; one submission).

Conditions:
Pitt-Hopkins-like syndrome 2 (PTHSL2). Identifiers: Orphanet 221150, Orphanet 600663, MedGen C3280479, MONDO:0013690, OMIM 614325.

Submission:

Labcorp Genetics (formerly Invitae), Labcorp
Classification: Uncertain significance for Pitt-Hopkins-like syndrome 2. Last evaluated: 2021-12-02. Review status: criteria provided, single submitter. Criteria: Invitae Variant Classification Sherloc (09022015). Collection method: clinical testing. Allele origin: germline.
Comment: This sequence change replaces asparagine, which is neutral and polar, with lysine, which is basic and polar, at codon 847 of the NRXN1 protein (p.Asn847Lys). This variant is not present in population databases (gnomAD no frequency). This variant has not been reported in the literature in individuals affected with NRXN1-related conditions. Algorithms developed to predict the effect of missense changes on protein structure and function (SIFT, PolyPhen-2, Align-GVGD) all suggest that this variant is likely to be disruptive. In summary, the available evidence is currently insufficient to determine the role of this variant in disease. Therefore, it has been classified as a Variant of Uncertain Significance.

NM_001330078.2(NRXN1):c.2421C>G (p.Asn807Lys)

Gene: NRXN1 (neurexin 1; minus strand). Cytogenetic location: 2p16.3.
Variant type: single nucleotide variant.
Coding change: c.2421C>G on transcript NM_001330078.2 (MANE Select); coding-DNA position 2421, C replaced by G.
Protein change: p.Asn807Lys; replaces asparagine 807 with lysine.
Molecular consequence: missense variant.
Genome position (GRCh38, 1-based): chr2:50,506,571, G>C on the plus strand (C>G on the coding strand, the complement: NRXN1 is on the minus strand). VCF-style: chr2-50506571-G-C. GRCh37 (hg19) VCF-style: chr2-50733709-G-C.
Other names: c.2397C>G, p.Asn799Lys (NM_001330082.2, NM_001330077.2); c.2355C>G, p.Asn785Lys (NM_001330083.2, NM_001330084.2); c.2394C>G, p.Asn798Lys (NM_001330085.2); c.2421C>G, p.Asn807Lys (NM_001330086.2, NM_004801.6); c.2310C>G, p.Asn770Lys (NM_001330087.2, NM_001330096.2); c.2340C>G, p.Asn780Lys (NM_001330088.2); c.2541C>G, p.Asn847Lys (NM_001135659.3); c.2418C>G, p.Asn806Lys (NM_001330093.2); and 2 more; short protein forms N770K, N785K, N790K, N798K, N803K, N847K, N780K, N799K.
Identifiers: ClinVar variation 1387510 (VCV001387510.6), dbSNP rs115211871, ClinGen allele CA346777980.